The following is an entry in ClinVar:

ClinVar aggregate classification (germline): Uncertain significance (1 of 4 stars; one submission).

Conditions:
LAMA2-related muscular dystrophy (LAMA2-RD). Also called: Laminin alpha 2-related dystrophy. Identifiers: MedGen C5679788, MONDO:0100228.

Submission:

Labcorp Genetics (formerly Invitae), Labcorp
Classification: Uncertain significance for LAMA2-related muscular dystrophy. Last evaluated: 2024-05-15. Review status: criteria provided, single submitter. Criteria: Invitae Variant Classification Sherloc (09022015). Collection method: clinical testing. Allele origin: germline.
Comment: This sequence change replaces arginine, which is basic and polar, with serine, which is neutral and polar, at codon 2644 of the LAMA2 protein (p.Arg2644Ser). This variant is not present in population databases (gnomAD no frequency). This variant has not been reported in the literature in individuals affected with LAMA2-related conditions. ClinVar contains an entry for this variant (Variation ID: 2012991). Advanced modeling of protein sequence and biophysical properties (such as structural, functional, and spatial information, amino acid conservation, physicochemical variation, residue mobility, and thermodynamic stability) performed at Invitae indicates that this missense variant is not expected to disrupt LAMA2 protein function with a negative predictive value of 95%. In summary, the available evidence is currently insufficient to determine the role of this variant in disease. Therefore, it has been classified as a Variant of Uncertain Significance.

NM_000426.4(LAMA2):c.7932A>T (p.Arg2644Ser)

Gene: LAMA2 (laminin subunit alpha 2; plus strand). Cytogenetic location: 6q22.33.
Variant type: single nucleotide variant.
Coding change: c.7932A>T on transcript NM_000426.4 (MANE Select); coding-DNA position 7932, A replaced by T.
Protein change: p.Arg2644Ser; replaces arginine 2644 with serine.
Molecular consequence: missense variant.
Genome position (GRCh38, 1-based): chr6:129,491,934, A>T. VCF-style: chr6-129491934-A-T. GRCh37 (hg19) VCF-style: chr6-129813079-A-T.
Other names: c.7920A>T, p.Arg2640Ser (NM_001079823.2); short protein forms R2640S, R2644S.
Identifiers: ClinVar variation 2012991 (VCV002012991.4), dbSNP rs2533503997, ClinGen allele CA365630504.